The following is an entry in ClinVar:

ClinVar aggregate classification (germline): Likely benign. Review status: criteria provided, multiple submitters, no conflicts (2 of 4 stars). 2 submissions from 2 submitters: Likely benign (2). Last evaluated 2026-01-14.

Allele frequency attached by ClinVar (database versions not stated): gnomAD 0.00008 and 0.00009; gnomAD exomes 0.00008 and 0.00011; TOPMed 0.00009; ExAC 0.00010; ESP Exome Variant Server 0.00015.
gnomAD v4.1: 180 of 1,577,490 alleles (0.011%); highest among the groups gnomAD compares: Non-Finnish European, 0.014%; no homozygotes.

Submissions (2):

Labcorp Genetics (formerly Invitae), Labcorp
Classification: Likely benign. Last evaluated: 2026-01-14. Review status: criteria provided, single submitter. Criteria: Invitae Variant Classification Sherloc (09022015). Collection method: clinical testing. Allele origin: germline.

GeneDx
Classification: Likely benign. Last evaluated: 2017-09-07. Review status: criteria provided, single submitter. Criteria: GeneDx Variant Classification (06012015). Collection method: clinical testing. Allele origin: germline. Affected: yes.
Comment: This variant is considered likely benign or benign based on one or more of the following criteria: it is a conservative change, it occurs at a poorly conserved position in the protein, it is predicted to be benign by multiple in silico algorithms, and/or has population frequency not consistent with disease.

NM_033109.5(PNPT1):c.2149-19T>C

Gene: PNPT1 (polyribonucleotide nucleotidyltransferase 1; minus strand). Cytogenetic location: 2p16.1.
Variant type: single nucleotide variant.
Coding change: c.2149-19T>C on transcript NM_033109.5 (MANE Select); 19 bases into the intron before coding-DNA position 2149, T replaced by C.
Molecular consequence: intron variant.
Genome position (GRCh38, 1-based): chr2:55,637,618, A>G on the plus strand (T>C on the coding strand, the complement: PNPT1 is on the minus strand). VCF-style: chr2-55637618-A-G. GRCh37 (hg19) VCF-style: chr2-55864753-A-G.
Identifiers: ClinVar variation 381397 (VCV000381397.8), dbSNP rs370060385, ClinGen allele CA1667774.